The following is an entry in ClinVar:

ClinVar aggregate classification (germline): Uncertain significance (1 of 4 stars; one submission).

Submission:

Greenwood Genetic Center Diagnostic Laboratories, Greenwood Genetic Center
Classification: Uncertain significance. Last evaluated: 2022-08-30. Review status: criteria provided, single submitter. Criteria: ACMG Guidelines, 2015. Collection method: clinical testing. Allele origin: germline. Affected: yes.
Comment: PM2 PP2

NM_001287491.2(TET3):c.4262C>T (p.Pro1421Leu)

Gene: TET3 (tet methylcytosine dioxygenase 3; plus strand). Cytogenetic location: 2p13.1.
Variant type: single nucleotide variant.
Coding change: c.4262C>T on transcript NM_001287491.2 (MANE Select); coding-DNA position 4262, C replaced by T.
Protein change: p.Pro1421Leu; replaces proline 1421 with leucine.
Molecular consequence: missense variant.
Genome position (GRCh38, 1-based): chr2:74,101,050, C>T. VCF-style: chr2-74101050-C-T. GRCh37 (hg19) VCF-style: chr2-74328177-C-T.
Other names: c.3983C>T, p.Pro1328Leu (NM_001366022.1); c.3857C>T, p.Pro1286Leu (NM_144993.1); short protein forms P1286L, P1328L, P1421L.
Identifiers: ClinVar variation 1710385 (VCV001710385.3), dbSNP rs745953793, ClinGen allele CA347319248.